The following is an entry in ClinVar:

NM_000051.4(ATM):c.6976-4A>T

Genes: ATM (ATM serine/threonine kinase; plus strand), C11orf65 (chromosome 11 open reading frame 65; minus strand). Cytogenetic location: 11q22.3.
Variant type: single nucleotide variant.
Coding change: c.6976-4A>T on transcript NM_000051.4 (MANE Select); 4 bases into the intron before coding-DNA position 6976, A replaced by T.
Molecular consequence: intron variant.
Genome position (GRCh38, 1-based): chr11:108,327,641, A>T. VCF-style: chr11-108327641-A-T. GRCh37 (hg19) VCF-style: chr11-108198368-A-T.
Other names: c.6976-4A>T (NM_001351834.2); c.641-18570T>A (NM_001330368.2); c.*38+7579T>A (NM_001351110.2).
Identifiers: ClinVar variation 2031889 (VCV002031889.5), dbSNP rs2136372366, ClinGen allele CA2580083166.
Genomic context (GRCh38, chr11:108,327,641, plus strand): 5'-GAAGGGCAGTTGGGTACAGTCATGGTAATGCATTATATTTTAAGATTTTGCCTTTCTTAT[A>T]CAGAACAATCCCAGCCTAAAACTTACATACACAGAATGTCTGAGGGTTTGTGGCAACTGG-3'

ClinVar aggregate classification (germline): Likely benign. Review status: criteria provided, multiple submitters, no conflicts (2 of 4 stars). 2 submissions from 2 submitters: Likely benign (2). Last evaluated 2024-06-12.

Conditions:
Familial cancer of breast. Also called: BREAST CANCER, FAMILIAL; Hereditary breast cancer; hereditary breast carcinoma. Identifiers: Orphanet 227535, MedGen C0346153, MONDO:0016419, OMIM 114480. Disease mechanism: loss of function.
Ataxia-telangiectasia syndrome (AT). Also called: Ataxia-telangiectasia, complementation group D; AT, COMPLEMENTATION GROUP C; ATAXIA-TELANGIECTASIA, COMPLEMENTATION GROUP A; ATAXIA-TELANGIECTASIA, FRESNO VARIANT; Ataxia-telangiectasia, complementation group E; LOUIS-BAR SYNDROME. Identifiers: Orphanet 100, MedGen C0004135, MONDO:0008840, OMIM 208900.

Submissions (2):

Myriad Genetics, Inc.
Classification: Likely benign for Familial cancer of breast. Last evaluated: 2024-06-12. Review status: criteria provided, single submitter. Criteria: Myriad Autosomal Dominant, Autosomal Recessive and X-Linked Classification Criteria (2023). Collection method: clinical testing. Allele origin: unknown.
Comment: This variant is considered likely benign. This variant is intronic and is not expected to impact mRNA splicing.

Labcorp Genetics (formerly Invitae), Labcorp
Classification: Likely benign for Ataxia-telangiectasia syndrome. Last evaluated: 2022-10-06. Review status: criteria provided, single submitter. Criteria: Invitae Variant Classification Sherloc (09022015). Collection method: clinical testing. Allele origin: germline.